The following is an entry in ClinVar:

ClinVar aggregate classification (germline): Likely benign (1 of 4 stars; one submission).

Conditions:
NTRK1-related disorder. Also called: NTRK1-related condition.

gnomAD v4.1: 7 of 1,613,730 alleles (0.00043%); highest among the groups gnomAD compares: Non-Finnish European, 0.00059%; no homozygotes.

Submission:

PreventionGenetics, part of Exact Sciences
Classification: Likely benign for NTRK1-related condition. Last evaluated: 2026-07-15. Review status: criteria provided, single submitter. Criteria: ACMG Guidelines, 2015. Collection method: clinical testing. Allele origin: germline.
Comment: This variant is classified as likely benign based on ACMG/AMP sequence variant interpretation guidelines (Richards et al. 2015 PMID: 25741868, with internal and published modifications).

NM_001007792.1(NTRK1):c.-5G>T

Genes: NTRK1 (neurotrophic receptor tyrosine kinase 1; plus strand), SH2D2A (SH2 domain containing 2A; minus strand). Cytogenetic location: 1q23.1.
Variant type: single nucleotide variant.
Coding change: c.-5G>T on transcript NM_001007792.1; 5 bases upstream of the start codon, G replaced by T.
Molecular consequence: 5 prime UTR variant. On other transcripts: intron variant (5).
Genome position (GRCh38, 1-based): chr1:156,815,825, G>T. VCF-style: chr1-156815825-G-T. GRCh37 (hg19) VCF-style: chr1-156785617-G-T.
Other names: c.69+181C>A (NM_001161442.2); c.123+181C>A (NM_003975.4, NM_001161441.2, NM_001161444.2); c.39+181C>A (NM_001161443.2).
Identifiers: ClinVar variation 4978400 (VCV004978400.1).